The following is an entry in ClinVar:

NM_019066.5(MAGEL2):c.3235G>T (p.Glu1079Ter)

Gene: MAGEL2 (MAGE family member L2; minus strand). Cytogenetic location: 15q11.2.
Variant type: single nucleotide variant.
Coding change: c.3235G>T on transcript NM_019066.5 (MANE Select); coding-DNA position 3235, G replaced by T.
Protein change: p.Glu1079Ter; replaces glutamic acid 1079 with a stop codon.
Molecular consequence: nonsense.
Genome position (GRCh38, 1-based): chr15:23,644,508, C>A on the plus strand (G>T on the coding strand, the complement: MAGEL2 is on the minus strand). VCF-style: chr15-23644508-C-A. GRCh37 (hg19) VCF-style: chr15-23889655-C-A.
Other names: short protein forms E1079*.
Identifiers: ClinVar variation 4055758 (VCV004055758.2).

ClinVar aggregate classification (germline): Pathogenic (1 of 4 stars; one submission).

Submission:

GeneDx
Classification: Pathogenic. Last evaluated: 2025-09-20. Review status: criteria provided, single submitter. Criteria: GeneDx Variant Classification Process June 2021. Collection method: clinical testing. Allele origin: germline.
Comment: Nonsense variant predicted to result in protein truncation, as the last 171 amino acids are lost, and other loss-of-function variants have been reported downstream in HGMD and the published literature (PMID: 27195816); Not observed at significant frequency in large population cohorts (gnomAD); This variant is associated with the following publications: (PMID: 27195816)